The following is an entry in ClinVar:

NM_014727.3(KMT2B):c.827C>G (p.Pro276Arg)

Gene: KMT2B (lysine methyltransferase 2B; plus strand). Cytogenetic location: 19q13.12.
Variant type: single nucleotide variant.
Coding change: c.827C>G on transcript NM_014727.3 (MANE Select); coding-DNA position 827, C replaced by G.
Protein change: p.Pro276Arg; replaces proline 276 with arginine.
Molecular consequence: missense variant.
Genome position (GRCh38, 1-based): chr19:35,720,174, C>G. VCF-style: chr19-35720174-C-G. GRCh37 (hg19) VCF-style: chr19-36211076-C-G.
Other names: short protein forms P276R.
Identifiers: ClinVar variation 2985537 (VCV002985537.3), dbSNP rs2513312717, ClinGen allele CA405381656.

ClinVar aggregate classification (germline): Uncertain significance (1 of 4 stars; one submission).

gnomAD v4.1: 4 of 1,605,234 alleles (0.00025%); no homozygotes.

Submission:

Labcorp Genetics (formerly Invitae), Labcorp
Classification: Uncertain significance. Last evaluated: 2023-11-18. Review status: criteria provided, single submitter. Criteria: Invitae Variant Classification Sherloc (09022015). Collection method: clinical testing. Allele origin: germline.
Comment: This sequence change replaces proline, which is neutral and non-polar, with arginine, which is basic and polar, at codon 276 of the KMT2B protein (p.Pro276Arg). This variant is not present in population databases (gnomAD no frequency). This variant has not been reported in the literature in individuals affected with KMT2B-related conditions. Advanced modeling of protein sequence and biophysical properties (such as structural, functional, and spatial information, amino acid conservation, physicochemical variation, residue mobility, and thermodynamic stability) performed at Invitae indicates that this missense variant is not expected to disrupt KMT2B protein function with a negative predictive value of 95%. In summary, the available evidence is currently insufficient to determine the role of this variant in disease. Therefore, it has been classified as a Variant of Uncertain Significance.